The following is an entry in ClinVar:

ClinVar aggregate classification (germline): Conflicting classifications of pathogenicity. Review status: criteria provided, conflicting classifications (1 of 4 stars). 7 submissions from 7 submitters: Uncertain significance (1); Benign (3); Likely benign (2). 1 of the submissions does not count toward it. Last evaluated 2026-01-09.

Conditions:
Early-infantile DEE. Also called: Early infantile epileptic encephalopathy; Early infantile epileptic encephalopathy with suppression bursts; Ohtahara syndrome. Identifiers: Orphanet 1934, MedGen C0393706, MONDO:0800491.
SPTAN1-related disorder. Also called: SPTAN1-related condition; SPTAN1-related disorders.
Inborn genetic diseases. Identifiers: MedGen C0950123, MeSH D030342.
Developmental and epileptic encephalopathy, 5 (DEE5). Identifiers: Orphanet 3451, MedGen C3150731, MONDO:0013277, OMIM 613477.

Allele frequency attached by ClinVar (database versions not stated): gnomAD exomes 0.00004 and 0.00011; ExAC 0.00017; gnomAD 0.00038 and 0.00041; 1000 Genomes Project 0.00040; TOPMed 0.00044; 1000 Genomes Project 30x 0.00047; ESP Exome Variant Server 0.00069.
gnomAD v4.1: 116 of 1,614,000 alleles (0.0072%); highest among the groups gnomAD compares: African/African-American, 0.12%; 1 homozygote.

Submissions (8):

Labcorp Genetics (formerly Invitae), Labcorp
Classification: Benign for Early-infantile DEE. Last evaluated: 2026-01-09. Review status: criteria provided, single submitter. Criteria: Invitae Variant Classification Sherloc (09022015). Collection method: clinical testing. Allele origin: germline.

CeGaT Center for Human Genetics Tuebingen
Classification: Likely benign. Last evaluated: 2023-12-01. Review status: criteria provided, single submitter. Criteria: CeGaT Center For Human Genetics Tuebingen Variant Classification Criteria Version 2. Collection method: clinical testing. Allele origin: germline. Affected: yes. Observed: 1 variant allele.
Comment: SPTAN1: BP4, BP7, BS1

Genome-Nilou Lab
Classification: Benign for Developmental and epileptic encephalopathy, 5. Last evaluated: 2021-07-15. Review status: criteria provided, single submitter. Criteria: ACMG Guidelines, 2015. Collection method: clinical testing. Allele origin: germline. Affected: no.

GeneDx
Classification: Benign. Last evaluated: 2019-05-03. Review status: criteria provided, single submitter. Criteria: GeneDx Variant Classification Process June 2021. Collection method: clinical testing. Allele origin: germline. Affected: yes.

Ambry Genetics
Classification: Likely benign for Inborn genetic diseases. Last evaluated: 2016-12-23. Review status: criteria provided, single submitter. Criteria: Ambry Variant Classification Scheme 2023. Collection method: clinical testing. Allele origin: germline.

Eurofins Ntd Llc (ga)
Classification: Uncertain significance. Last evaluated: 2015-04-21. Review status: criteria provided, single submitter. Criteria: EGL Classification Definitions 2015. Collection method: clinical testing. Allele origin: germline. Observed: 1 variant allele, 1 heterozygote.

PreventionGenetics, part of Exact Sciences
Classification: Likely benign for SPTAN1-related condition. Last evaluated: 2024-07-11. Review status: no assertion criteria provided. Collection method: clinical testing. Allele origin: germline. Not counted in ClinVar's aggregate classification.
Comment: This variant is classified as likely benign based on ACMG/AMP sequence variant interpretation guidelines (Richards et al. 2015 PMID: 25741868, with internal and published modifications).

Dr. Peter K. Rogan Lab, Western University
No classification provided (evidence only). Condition: Clear cell carcinoma of kidney. Review status: no classification provided. Collection method: in vitro. Allele origin: not applicable. Functional consequence: retained intron. Not counted in ClinVar's aggregate classification.

NM_001130438.3(SPTAN1):c.7233C>T (p.Ser2411=)

Gene: SPTAN1 (spectrin alpha, non-erythrocytic 1; plus strand). Cytogenetic location: 9q34.11.
Variant type: single nucleotide variant.
Coding change: c.7233C>T on transcript NM_001130438.3 (MANE Select); coding-DNA position 7233, C replaced by T.
Protein change: p.Ser2411=; no amino-acid change (serine 2411 retained).
Molecular consequence: synonymous variant.
Genome position (GRCh38, 1-based): chr9:128,632,880, C>T. VCF-style: chr9-128632880-C-T. GRCh37 (hg19) VCF-style: chr9-131395159-C-T.
Other names: c.7158C>T, p.Ser2386= (NM_001195532.2); c.7296C>T, p.Ser2432= (NM_001363759.2); c.7173C>T, p.Ser2391= (NM_001363765.2); c.7218C>T, p.Ser2406= (NM_003127.4).
Identifiers: ClinVar variation 197988 (VCV000197988.83), dbSNP rs138985089, ClinGen allele CA246426.